The following is an entry in ClinVar:

NM_005359.6(SMAD4):c.1448-1G>A

Gene: SMAD4 (SMAD family member 4; plus strand). Cytogenetic location: 18q21.2.
Variant type: single nucleotide variant.
Coding change: c.1448-1G>A on transcript NM_005359.6 (MANE Select); the canonical splice acceptor site of the intron before coding-DNA position 1448, G replaced by A.
Molecular consequence: splice acceptor variant.
Genome position (GRCh38, 1-based): chr18:51,078,255, G>A. VCF-style: chr18-51078255-G-A. GRCh37 (hg19) VCF-style: chr18-48604625-G-A.
Other names: c.1448-1G>A (NM_001407042.1, NM_001407041.1).
Identifiers: ClinVar variation 943233 (VCV000943233.9), dbSNP rs1910517904, ClinGen allele CA402465613.

ClinVar aggregate classification (germline): Conflicting classifications of pathogenicity. Review status: criteria provided, conflicting classifications (1 of 4 stars). 2 submissions from 2 submitters: Likely pathogenic (1); Uncertain significance (1). Last evaluated 2023-05-08.

Conditions:
Juvenile polyposis syndrome (JPS). Identifiers: Orphanet 2929, MedGen C0345893, MONDO:0017380, OMIM 174900.
Hereditary cancer-predisposing syndrome. Also called: Neoplastic Syndromes, Hereditary; Hereditary neoplastic syndrome; Hereditary Cancer Syndrome; Tumor predisposition. Identifiers: Orphanet 140162, MedGen C0027672, MeSH D009386, MONDO:0015356.
Familial thoracic aortic aneurysm and aortic dissection (TAAD). Also called: Thoracic aortic aneurysms and dissections. Identifiers: Orphanet 91387, MedGen C4707243, MONDO:0019625.

Submissions (2):

Ambry Genetics
Classification: Likely pathogenic for Hereditary cancer-predisposing syndrome; Familial thoracic aortic aneurysm and aortic dissection. Last evaluated: 2023-05-08. Review status: criteria provided, single submitter. Criteria: Ambry Variant Classification Scheme 2023. Collection method: clinical testing. Allele origin: germline.
Comment: The c.1448-1G>A intronic variant results from a G to A substitution one nucleotide upstream from coding exon 11 of the SMAD4 gene. This alteration occurs at the 3' terminus of the SMAD4 gene, is not expected to trigger nonsense-mediated mRNA decay, and only impacts the last 71 AA of the protein. The exact functional effect of this alteration is unknown; however, the impacted region is critical for protein function and a significant portion of the protein is affected (Ambry internal data). This variant has been identified in multiple probands who reported a history of juvenile polyps (Ambry internal data). This variant is considered to be rare based on population cohorts in the Genome Aggregation Database (gnomAD). This nucleotide position is highly conserved in available vertebrate species. In silico splice site analysis predicts that this alteration will weaken the native splice acceptor site and will result in the creation or strengthening of a novel splice acceptor site. RNA studies have demonstrated that this alteration results in abnormal splicing in the set of samples tested (Ambry internal data). Based on the majority of available evidence to date, this variant is likely to be pathogenic.

Labcorp Genetics (formerly Invitae), Labcorp
Classification: Uncertain significance for Juvenile polyposis syndrome. Last evaluated: 2019-08-03. Review status: criteria provided, single submitter. Criteria: Invitae Variant Classification Sherloc (09022015). Collection method: clinical testing. Allele origin: germline.
Comment: This sequence change affects an acceptor splice site in the last intron (intron 11) of the SMAD4 gene. While this is not anticipated to result in nonsense mediated decay, it likely alters RNA splicing and results in a disrupted protein product. This variant is not present in population databases (ExAC no frequency). This variant has not been reported in the literature in individuals with SMAD4-related conditions. Nucleotide substitutions within the consensus splice site are a relatively common cause of aberrant splicing (PMID: 17576681, 9536098). Algorithms developed to predict the effect of sequence changes on RNA splicing suggest that this variant may disrupt the consensus splice site, but this prediction has not been confirmed by published transcriptional studies. In summary, the available evidence is currently insufficient to determine the role of this variant in disease. Therefore, it has been classified as a Variant of Uncertain Significance.

Literature cited by the submitters: PubMed 17576681 (cited by Labcorp Genetics (formerly Invitae), Labcorp); PubMed 9536098 (cited by Labcorp Genetics (formerly Invitae), Labcorp).